The following is an entry in ClinVar:

ClinVar aggregate classification (germline): Uncertain significance. Review status: criteria provided, multiple submitters, no conflicts (2 of 4 stars). 2 submissions from 2 submitters: Uncertain significance (2). Last evaluated 2024-12-25.

Conditions:
Hereditary cancer-predisposing syndrome. Also called: Tumor predisposition; Hereditary neoplastic syndrome; Neoplastic Syndromes, Hereditary; Hereditary Cancer Syndrome. Identifiers: Orphanet 140162, MedGen C0027672, MeSH D009386, MONDO:0015356.

Submissions (2):

Ambry Genetics
Classification: Uncertain significance for Hereditary cancer-predisposing syndrome. Last evaluated: 2024-12-25. Review status: criteria provided, single submitter. Criteria: Ambry Variant Classification Scheme 2023. Collection method: clinical testing. Allele origin: germline.
Comment: The p.D225H variant (also known as c.673G>C), located in coding exon 7 of the POLE gene, results from a G to C substitution at nucleotide position 673. The aspartic acid at codon 225 is replaced by histidine, an amino acid with similar properties. This amino acid position is conserved. In addition, this alteration is predicted to be deleterious by in silico analysis. Based on the available evidence, the clinical significance of this variant remains unclear.

Labcorp Genetics (formerly Invitae), Labcorp
Classification: Uncertain significance. Last evaluated: 2024-10-16. Review status: criteria provided, single submitter. Criteria: Invitae Variant Classification Sherloc (09022015). Collection method: clinical testing. Allele origin: germline.
Comment: This sequence change replaces aspartic acid, which is acidic and polar, with histidine, which is basic and polar, at codon 225 of the POLE protein (p.Asp225His). This variant is not present in population databases (gnomAD no frequency). This variant has not been reported in the literature in individuals affected with POLE-related conditions. ClinVar contains an entry for this variant (Variation ID: 1490543). Invitae Evidence Modeling of protein sequence and biophysical properties (such as structural, functional, and spatial information, amino acid conservation, physicochemical variation, residue mobility, and thermodynamic stability) indicates that this missense variant is expected to disrupt POLE protein function with a positive predictive value of 80%. In summary, the available evidence is currently insufficient to determine the role of this variant in disease. Therefore, it has been classified as a Variant of Uncertain Significance.

NM_006231.4(POLE):c.673G>C (p.Asp225His)

Gene: POLE (DNA polymerase epsilon, catalytic subunit; minus strand). Cytogenetic location: 12q24.33.
Variant type: single nucleotide variant.
Coding change: c.673G>C on transcript NM_006231.4 (MANE Select); coding-DNA position 673, G replaced by C.
Protein change: p.Asp225His; replaces aspartic acid 225 with histidine.
Molecular consequence: missense variant.
Genome position (GRCh38, 1-based): chr12:132,677,625, C>G on the plus strand (G>C on the coding strand, the complement: POLE is on the minus strand). VCF-style: chr12-132677625-C-G. GRCh37 (hg19) VCF-style: chr12-133254211-C-G.
Other names: c.673G>C (NM_006231.2); short protein forms D225H.
Identifiers: ClinVar variation 1490543 (VCV001490543.7), dbSNP rs1166189035, ClinGen allele CA387364869.